The following is an entry in ClinVar:

NM_001267550.2(TTN):c.42451C>T (p.Gln14151Ter)

Gene: TTN (titin; minus strand). Cytogenetic location: 2q31.2.
Variant type: single nucleotide variant.
Coding change: c.42451C>T on transcript NM_001267550.2 (MANE Select); coding-DNA position 42451, C replaced by T.
Protein change: p.Gln14151Ter; replaces glutamine 14151 with a stop codon.
Molecular consequence: nonsense.
Genome position (GRCh38, 1-based): chr2:178,634,048, G>A on the plus strand (C>T on the coding strand, the complement: TTN is on the minus strand). VCF-style: chr2-178634048-G-A. GRCh37 (hg19) VCF-style: chr2-179498775-G-A.
Other names: c.37528C>T, p.Gln12510Ter (NM_001256850.1); c.15256C>T, p.Gln5086Ter (NM_003319.4); c.34747C>T, p.Gln11583Ter (NM_133378.4); c.15631C>T, p.Gln5211Ter (NM_133432.3); c.15832C>T, p.Gln5278Ter (NM_133437.4); short protein forms Q11583*, Q12510*, Q14151*, Q5086*, Q5211*, Q5278*.
Identifiers: ClinVar variation 3382669 (VCV003382669.3).
Genomic context (GRCh38, chr2:178,634,048, plus strand): 5'-GCATTTTTTCATGAGAAAGTTCACAAACAAAAGTTGCTGTTTCACCTTCTTTTACTGTTT[G>A]ATCTTCAAGAGGTGACATGAATTTCAGTCTTATACCTGAAATGCAAGCATAGATAATGCC-3'

ClinVar aggregate classification (germline): Likely pathogenic (1 of 4 stars; one submission).

Conditions:
Dilated cardiomyopathy 1G (CMD1G). Identifiers: Orphanet 154, MedGen C1858763, MONDO:0011400, OMIM 604145.
Hypertrophic cardiomyopathy 9. Also called: Familial hypertrophic cardiomyopathy 9. Identifiers: MedGen C1861065, MONDO:0013412, OMIM 613765.
Early-onset myopathy with fatal cardiomyopathy (CMYO5). Also called: Salih Myopathy; CONGENITAL MYOPATHY 5 WITH CARDIOMYOPATHY. Identifiers: Orphanet 289377, MedGen C2673677, MONDO:0012714, OMIM 611705. Disease mechanism: loss of function.
Tibial muscular dystrophy (TMD). Also called: Tibial muscular dystrophy, tardive; Udd Distal Myopathy – Tibial Muscular Dystrophy; UDD MYOPATHY. Identifiers: Orphanet 609, MedGen C1838244, MONDO:0010870, OMIM 600334.
Autosomal recessive limb-girdle muscular dystrophy type 2J (LGMDR10). Also called: MUSCULAR DYSTROPHY, LIMB-GIRDLE, AUTOSOMAL RECESSIVE 10; Limb-girdle muscular dystrophy, type 2J. Identifiers: Orphanet 140922, MedGen C1837342, MONDO:0012127, OMIM 608807.
Myopathy, myofibrillar, 9, with early respiratory failure (MFM9). Also called: EDSTROM MYOPATHY; Myopathy, distal, with early respiratory failure, autosomal dominant; Hereditary myopathy with early respiratory failure; MYOPATHY, PROXIMAL, WITH EARLY RESPIRATORY MUSCLE INVOLVEMENT. Identifiers: Orphanet 178464, Orphanet 34521, MedGen C1863599, MONDO:0011362, OMIM 603689.

Submission:

Juno Genomics, Hangzhou Juno Genomics, Inc
Classification: Likely pathogenic for Early-onset myopathy with fatal cardiomyopathy; Dilated cardiomyopathy 1G; Hypertrophic cardiomyopathy 9; Autosomal recessive limb-girdle muscular dystrophy type 2J; Myopathy, myofibrillar, 9, with early respiratory failure; Tibial muscular dystrophy. Review status: criteria provided, single submitter. Criteria: ACMG Guidelines, 2015. Collection method: clinical testing. Allele origin: germline.
Comment: Absent from controls (or at extremely low frequency if recessive) in Genome Aggregation Database.;Null variant in a gene where loss of function (LOF) is a known mechanism of disease.